The following is an entry in ClinVar:

NM_201384.3(PLEC):c.5020C>T (p.Arg1674Trp)

Gene: PLEC (plectin; minus strand). Cytogenetic location: 8q24.3.
Variant type: single nucleotide variant.
Coding change: c.5020C>T on transcript NM_201384.3 (MANE Select); coding-DNA position 5020, C replaced by T.
Protein change: p.Arg1674Trp; replaces arginine 1674 with tryptophan.
Molecular consequence: missense variant.
Genome position (GRCh38, 1-based): chr8:143,924,909, G>A on the plus strand (C>T on the coding strand, the complement: PLEC is on the minus strand). VCF-style: chr8-143924909-G-A. GRCh37 (hg19) VCF-style: chr8-144999077-G-A.
Other names: c.5101C>T, p.Arg1701Trp (NM_000445.5); c.4978C>T, p.Arg1660Trp (NM_201378.4); c.4954C>T, p.Arg1652Trp (NM_201379.3); c.5431C>T, p.Arg1811Trp (NM_201380.4); c.4924C>T, p.Arg1642Trp (NM_201381.3); c.5020C>T, p.Arg1674Trp (NM_201382.4); c.5032C>T, p.Arg1678Trp (NM_201383.3); short protein forms R1642W, R1652W, R1660W, R1674W, R1678W, R1701W, R1811W.
Identifiers: ClinVar variation 994681 (VCV000994681.9), dbSNP rs782306391, ClinGen allele CA4926459.
Genomic context (GRCh38, chr8:143,924,909, plus strand): 5'-GCTCTTGTTCAGCCAGCTCCCGCTGCCGGACGGCCTGCTCCTCCGCCTTGCCGCGCCGCC[G>A]CGCCTCGCGCTCCGCCTCCTCCTTCTGCTTCTCAGCCTCGGCCTGCGCCAGGCTCTTCTG-3'
Protein context (NP_958786.1, residues 1664-1684): KQKEEAEREA[Arg1674Trp]RRGKAEEQAV

ClinVar aggregate classification (germline): Uncertain significance. Review status: criteria provided, multiple submitters, no conflicts (2 of 4 stars). 4 submissions from 4 submitters: Uncertain significance (4). Last evaluated 2025-08-21.

Conditions:
Autosomal recessive limb-girdle muscular dystrophy type 2Q (LGMDR17). Also called: MUSCULAR DYSTROPHY, LIMB-GIRDLE, AUTOSOMAL RECESSIVE 17. Identifiers: Orphanet 254361, MedGen C3150989, MONDO:0013390, OMIM 613723.
Epidermolysis bullosa simplex with nail dystrophy (EBS5D). Identifiers: MedGen C4225309, MONDO:0014661, OMIM 616487.
Epidermolysis bullosa simplex 5C, with pyloric atresia (EBS5C). Also called: PLEC-Related Epidermolysis Bullosa with Pyloric Atresia; Epidermolysis bullosa simplex with pyloric atresia; PLEC1-Related Epidermolysis Bullosa with Pyloric Atresia. Identifiers: Orphanet 158684, MedGen C2677349, MONDO:0012807, OMIM 612138.
Epidermolysis bullosa simplex, Ogna type (EBS5A). Also called: Pidermolysis bullosa simplex 5A, Ogna type; EPIDERMOLYSIS BULLOSA SIMPLEX 5A, OGNA TYPE. Identifiers: Orphanet 79401, MedGen C0432317, MONDO:0007555, OMIM 131950.
Epidermolysis bullosa simplex 5B, with muscular dystrophy (EBS5B). Also called: Epidermolysis bullosa simplex with muscular dystrophy; EPIDERMOLYSIS BULLOSA SIMPLEX AND LIMB-GIRDLE MUSCULAR DYSTROPHY. Identifiers: Orphanet 257, MedGen C2931072, MONDO:0009181, OMIM 226670.
Inborn genetic diseases. Identifiers: MedGen C0950123, MeSH D030342.

Allele frequency attached by ClinVar (database versions not stated): gnomAD 0.00001; gnomAD exomes 0.00002 and 0.00009; TOPMed 0.00003; ExAC 0.00013; 1000 Genomes Project 30x 0.00016.
gnomAD v4.1: 35 of 1,585,946 alleles (0.0022%); highest among the groups gnomAD compares: Admixed American, 0.022%; no homozygotes.

Submissions (4):

Ambry Genetics
Classification: Uncertain significance for Inborn genetic diseases. Last evaluated: 2025-08-21. Review status: criteria provided, single submitter. Criteria: Ambry Variant Classification Scheme 2023. Collection method: clinical testing. Allele origin: germline.

Labcorp Genetics (formerly Invitae), Labcorp
Classification: Uncertain significance for Autosomal recessive limb-girdle muscular dystrophy type 2Q; Epidermolysis bullosa simplex, Ogna type; Epidermolysis bullosa simplex with nail dystrophy; Epidermolysis bullosa simplex 5C, with pyloric atresia; Epidermolysis bullosa simplex 5B, with muscular dystrophy. Last evaluated: 2025-06-27. Review status: criteria provided, single submitter. Criteria: Invitae Variant Classification Sherloc (09022015). Collection method: clinical testing. Allele origin: germline.
Comment: This sequence change replaces arginine, which is basic and polar, with tryptophan, which is neutral and slightly polar, at codon 1701 of the PLEC protein (p.Arg1701Trp). This variant is present in population databases (rs782306391, gnomAD 0.04%). This variant has not been reported in the literature in individuals affected with PLEC-related conditions. ClinVar contains an entry for this variant (Variation ID: 994681). Experimental studies and prediction algorithms are not available or were not evaluated, and the functional significance of this variant is currently unknown. In summary, the available evidence is currently insufficient to determine the role of this variant in disease. Therefore, it has been classified as a Variant of Uncertain Significance.

Athena Diagnostics
Classification: Uncertain significance. Last evaluated: 2020-01-21. Review status: criteria provided, single submitter. Criteria: Athena Diagnostics Criteria. Collection method: clinical testing. Allele origin: unknown.

GeneDx
Classification: Uncertain significance. Last evaluated: 2019-09-27. Review status: criteria provided, single submitter. Criteria: GeneDx Variant Classification Process June 2021. Collection method: clinical testing. Allele origin: germline. Affected: yes.
Comment: In silico analysis, which includes protein predictors and evolutionary conservation, supports a deleterious effect; Has not been previously published as pathogenic or benign to our knowledge